The following is an entry in ClinVar:

ClinVar aggregate classification (germline): Likely benign (1 of 4 stars; one submission).

gnomAD v4.1: 29 of 1,612,458 alleles (0.0018%); highest among the groups gnomAD compares: East Asian, 0.0067%; no homozygotes.

Submission:

CeGaT Center for Human Genetics Tuebingen
Classification: Likely benign. Last evaluated: 2026-07-01. Review status: criteria provided, single submitter. Criteria: CeGaT Center For Human Genetics Tuebingen Variant Classification Criteria Version 2. Collection method: clinical testing. Allele origin: germline. Affected: yes. Observed: 1 variant allele.
Comment: CTU2: BP4, BP7

NM_001012759.3(CTU2):c.1236G>A (p.Ser412=)

Gene: CTU2 (cytosolic thiouridylase subunit 2; plus strand). Cytogenetic location: 16q24.3.
Variant type: single nucleotide variant.
Coding change: c.1236G>A on transcript NM_001012759.3 (MANE Select); coding-DNA position 1236, G replaced by A.
Protein change: p.Ser412=; no amino-acid change (serine 412 retained).
Molecular consequence: synonymous variant.
Genome position (GRCh38, 1-based): chr16:88,714,621, G>A. VCF-style: chr16-88714621-G-A. GRCh37 (hg19) VCF-style: chr16-88781029-G-A.
Other names: c.1236G>A, p.Ser412= (NM_001012762.3); c.1449G>A, p.Ser483= (NM_001318507.2); c.975G>A, p.Ser325= (NM_001318513.2).
Identifiers: ClinVar variation 5038718 (VCV005038718.1).